The following is an entry in ClinVar:

NM_001077525.3(MTMR14):c.593A>G (p.Tyr198Cys)

Gene: MTMR14 (myotubularin related protein 14; plus strand). Cytogenetic location: 3p25.3.
Variant type: single nucleotide variant.
Coding change: c.593A>G on transcript NM_001077525.3 (MANE Select); coding-DNA position 593, A replaced by G.
Protein change: p.Tyr198Cys; replaces tyrosine 198 with cysteine.
Molecular consequence: missense variant. On other transcripts: non-coding transcript variant (9), 5 prime UTR variant (16).
Genome position (GRCh38, 1-based): chr3:9,671,086, A>G. VCF-style: chr3-9671086-A-G. GRCh37 (hg19) VCF-style: chr3-9712770-A-G.
Other names: c.347A>G, p.Tyr116Cys (NM_001400527.1, NM_001400530.1, NM_001400524.1 and 1 more transcripts); c.593A>G, p.Tyr198Cys (NM_001400528.1, NM_022485.5, NM_001077526.3 and 2 more transcripts); c.311A>G, p.Tyr104Cys (NM_001400529.1, NM_001400532.1, NM_001400525.1 and 1 more transcripts); c.344A>G, p.Tyr115Cys (NM_001400531.1); c.-50A>G (NM_001400533.1, NM_001400534.1, NM_001400535.1 and 9 more transcripts); c.-123A>G (NM_001400550.1, NM_001400544.1, NM_001400547.1 and 1 more transcripts); c.662A>G, p.Tyr221Cys (NM_001400518.1, NM_001400521.1, NM_001400526.1); c.590A>G, p.Tyr197Cys (NM_001400519.1, NM_001400522.1); short protein forms Y104C, Y115C, Y198C, Y221C, Y116C, Y197C.
Identifiers: ClinVar variation 2896551 (VCV002896551.3), dbSNP rs1429851346, ClinGen allele CA351681584.
Genomic context (GRCh38, chr3:9,671,086, plus strand): 5'-TCCCTCTGGCTCTTTATTTCAGAAGTGGTGACACGCATCTTTTTGATAAGGTCAGAGGCT[A>G]TGACATCAAGCTGCTTCGATACCTGTCAGTCAAATACATCTGTGACCTGATGGTGGAGAA-3'
Protein context (NP_001070993.1, residues 188-208): DTHLFDKVRG[Tyr198Cys]DIKLLRYLSV

ClinVar aggregate classification (germline): Uncertain significance (1 of 4 stars; one submission).

gnomAD v4.1: 2 of 1,614,190 alleles (0.00012%); highest among the groups gnomAD compares: Admixed American, 0.0017%; no homozygotes.

Submission:

Labcorp Genetics (formerly Invitae), Labcorp
Classification: Uncertain significance. Last evaluated: 2025-01-24. Review status: criteria provided, single submitter. Criteria: Invitae Variant Classification Sherloc (09022015). Collection method: clinical testing. Allele origin: germline.
Comment: This sequence change replaces tyrosine, which is neutral and polar, with cysteine, which is neutral and slightly polar, at codon 198 of the MTMR14 protein (p.Tyr198Cys). This variant is present in population databases (no rsID available, gnomAD 0.003%). This variant has not been reported in the literature in individuals affected with MTMR14-related conditions. ClinVar contains an entry for this variant (Variation ID: 2896551). Invitae Evidence Modeling of protein sequence and biophysical properties (such as structural, functional, and spatial information, amino acid conservation, physicochemical variation, residue mobility, and thermodynamic stability) indicates that this missense variant is not expected to disrupt MTMR14 protein function with a negative predictive value of 80%. In summary, the available evidence is currently insufficient to determine the role of this variant in disease. Therefore, it has been classified as a Variant of Uncertain Significance.